The following is an entry in ClinVar:

ClinVar aggregate classification (germline): Likely benign. Review status: criteria provided, multiple submitters, no conflicts (2 of 4 stars). 3 submissions from 3 submitters: Likely benign (3). Last evaluated 2025-05-08.

Conditions:
Hereditary nonpolyposis colorectal neoplasms. Identifiers: MedGen C0009405, MeSH D003123.
Lynch syndrome 5 (LYNCH5). Also called: Colorectal cancer, hereditary nonpolyposis, type 5; Hereditary non-polyposis colorectal cancer, type 5. Identifiers: Orphanet 144, MedGen C1833477, MONDO:0013710, OMIM 614350. Disease mechanism: loss of function.
Hereditary cancer-predisposing syndrome. Also called: Tumor predisposition; Hereditary neoplastic syndrome; Hereditary Cancer Syndrome; Neoplastic Syndromes, Hereditary. Identifiers: Orphanet 140162, MedGen C0027672, MeSH D009386, MONDO:0015356.

Submissions (3):

Labcorp Genetics (formerly Invitae), Labcorp
Classification: Likely benign for Hereditary nonpolyposis colorectal neoplasms. Last evaluated: 2025-05-08. Review status: criteria provided, single submitter. Criteria: Invitae Variant Classification Sherloc (09022015). Collection method: clinical testing. Allele origin: germline.

Myriad Genetics, Inc.
Classification: Likely benign for Lynch syndrome 5. Last evaluated: 2025-01-07. Review status: criteria provided, single submitter. Criteria: Myriad Autosomal Dominant, Autosomal Recessive and X-Linked Classification Criteria (2023). Collection method: clinical testing. Allele origin: unknown.
Comment: This variant is considered likely benign. This variant is intronic and is not expected to impact mRNA splicing.

Color Diagnostics, LLC DBA Color Health
Classification: Likely benign for Hereditary cancer-predisposing syndrome. Last evaluated: 2016-08-18. Review status: criteria provided, single submitter. Criteria: ACMG Guidelines, 2015. Collection method: clinical testing. Allele origin: germline.

NM_000179.3(MSH6):c.3647-7T>C

Gene: MSH6 (mutS homolog 6; plus strand). Cytogenetic location: 2p16.3.
Variant type: single nucleotide variant.
Coding change: c.3647-7T>C on transcript NM_000179.3 (MANE Select); 7 bases into the intron before coding-DNA position 3647, T replaced by C.
Molecular consequence: intron variant.
Genome position (GRCh38, 1-based): chr2:47,806,197, T>C. VCF-style: chr2-47806197-T-C. GRCh37 (hg19) VCF-style: chr2-48033336-T-C.
Other names: c.2741-7T>C (NM_001281493.2, NM_001281494.2); c.3257-7T>C (NM_001281492.2).
Identifiers: ClinVar variation 791762 (VCV000791762.14), dbSNP rs780269667, ClinGen allele CA071769.